The following is an entry in ClinVar:

NM_025114.4(CEP290):c.5919G>A (p.Gln1973=)

Gene: CEP290 (centrosomal protein 290; minus strand). Cytogenetic location: 12q21.32.
Variant type: single nucleotide variant.
Coding change: c.5919G>A on transcript NM_025114.4 (MANE Select); coding-DNA position 5919, G replaced by A.
Protein change: p.Gln1973=; no amino-acid change (glutamine 1973 retained).
Molecular consequence: synonymous variant.
Genome position (GRCh38, 1-based): chr12:88,071,386, C>T on the plus strand (G>A on the coding strand, the complement: CEP290 is on the minus strand). VCF-style: chr12-88071386-C-T. GRCh37 (hg19) VCF-style: chr12-88465163-C-T.
Other names: c.5919G>A (NM_025114.3).
Identifiers: ClinVar variation 1097341 (VCV001097341.8), dbSNP rs1231554118, ClinGen allele CA481071964.

ClinVar aggregate classification (germline): Likely benign. Review status: criteria provided, single submitter (1 of 4 stars). 2 submissions from 2 submitters: Likely benign (1). 1 of the submissions does not count toward it. Last evaluated 2026-01-24.

Conditions:
Joubert syndrome. Also called: CEREBELLOPARENCHYMAL DISORDER IV; JOUBERT-BOLTSHAUSER SYNDROME; Familial aplasia of the vermis. Identifiers: Orphanet 475, MedGen C5979921, MONDO:0018772.
Nephronophthisis. Also called: Juvenile Nephronophthisis. Identifiers: Orphanet 655, MedGen C0687120, MONDO:0019005, HP:0000090.
Meckel-Gruber syndrome. Also called: DYSENCEPHALIA SPLANCHNOCYSTICA; GRUBER SYNDROME; Dysencephalia splachnocystica. Identifiers: Orphanet 564, MedGen C0265215, MONDO:0018921.
CEP290-related disorder. Also called: CEP290-related disorders; CEP290-related condition. Identifiers: MedGen CN239314.

Allele frequency attached by ClinVar (database versions not stated): gnomAD exomes below 0.00001 and 0.00001; gnomAD 0.00001; TOPMed 0.00003.
gnomAD v4.1: 5 of 1,611,860 alleles (0.00031%); highest among the groups gnomAD compares: Admixed American, 0.005%; no homozygotes.

Submissions (2):

Labcorp Genetics (formerly Invitae), Labcorp
Classification: Likely benign for Joubert syndrome; Meckel-Gruber syndrome; Nephronophthisis. Last evaluated: 2026-01-24. Review status: criteria provided, single submitter. Criteria: Invitae Variant Classification Sherloc (09022015). Collection method: clinical testing. Allele origin: germline.

PreventionGenetics, part of Exact Sciences
Classification: Likely benign for CEP290-related condition. Last evaluated: 2024-01-15. Review status: no assertion criteria provided. Collection method: clinical testing. Allele origin: germline. Not counted in ClinVar's aggregate classification.
Comment: This variant is classified as likely benign based on ACMG/AMP sequence variant interpretation guidelines (Richards et al. 2015 PMID: 25741868, with internal and published modifications).